The following is an entry in ClinVar:

ClinVar aggregate classification (germline): Uncertain significance (1 of 4 stars; one submission).

Allele frequency attached by ClinVar (database versions not stated): gnomAD exomes below 0.00001.
gnomAD v4.1: 1 of 1,564,966 alleles (0.000064%); highest among the groups gnomAD compares: Non-Finnish European, 0.000086%; no homozygotes.

Submission:

Labcorp Genetics (formerly Invitae), Labcorp
Classification: Uncertain significance. Last evaluated: 2023-05-05. Review status: criteria provided, single submitter. Criteria: Invitae Variant Classification Sherloc (09022015). Collection method: clinical testing. Allele origin: germline.
Comment: In summary, the available evidence is currently insufficient to determine the role of this variant in disease. Therefore, it has been classified as a Variant of Uncertain Significance. Advanced modeling of protein sequence and biophysical properties (such as structural, functional, and spatial information, amino acid conservation, physicochemical variation, residue mobility, and thermodynamic stability) performed at Invitae indicates that this missense variant is not expected to disrupt ADAMTS13 protein function. This missense change has been observed in individual(s) with thrombotic thrombocytopenic purpura (Invitae). In at least one individual the data is consistent with being in trans (on the opposite chromosome) from a pathogenic variant. This variant is not present in population databases (gnomAD no frequency). This sequence change replaces asparagine, which is neutral and polar, with aspartic acid, which is acidic and polar, at codon 800 of the ADAMTS13 protein (p.Asn800Asp).

NM_139027.6(ADAMTS13):c.2398A>G (p.Asn800Asp)

Gene: ADAMTS13 (ADAM metallopeptidase with thrombospondin type 1 motif 13; plus strand). Cytogenetic location: 9q34.2.
Variant type: single nucleotide variant.
Coding change: c.2398A>G on transcript NM_139027.6 (MANE Select); coding-DNA position 2398, A replaced by G.
Protein change: p.Asn800Asp; replaces asparagine 800 with aspartic acid.
Molecular consequence: missense variant.
Genome position (GRCh38, 1-based): chr9:133,443,539, A>G. VCF-style: chr9-133443539-A-G. GRCh37 (hg19) VCF-style: chr9-136308660-A-G.
Other names: c.2398A>G, p.Asn800Asp (NM_139025.5); c.2305A>G, p.Asn769Asp (NM_139026.6); short protein forms N800D, N769D.
Identifiers: ClinVar variation 2873267 (VCV002873267.3), dbSNP rs2491282587, ClinGen allele CA375397869.